The following is an entry in ClinVar:

ClinVar aggregate classification (germline): Uncertain significance. Review status: criteria provided, multiple submitters, no conflicts (2 of 4 stars). 2 submissions from 2 submitters: Uncertain significance (2). Last evaluated 2025-09-05.

Conditions:
PROM1-related disorder. Also called: PROM1-related disorders; PROM1-related condition.

Allele frequency attached by ClinVar (database versions not stated): TOPMed below 0.00001.

Submissions (2):

PreventionGenetics, part of Exact Sciences
Classification: Uncertain significance for PROM1-related condition. Last evaluated: 2025-09-05. Review status: criteria provided, single submitter. Criteria: ACMG Guidelines, 2015. Collection method: clinical testing. Allele origin: germline.
Comment: The PROM1 c.1760T>C variant is predicted to result in the amino acid substitution p.Ile587Thr. To our knowledge, this variant has not been reported in the literature. This variant is absent in a large population database (gnomAD), indicating this variant is rare. At this time, the clinical significance of this variant is uncertain due to the absence of conclusive functional and genetic evidence.

Labcorp Genetics (formerly Invitae), Labcorp
Classification: Uncertain significance. Last evaluated: 2025-08-21. Review status: criteria provided, single submitter. Criteria: Invitae Variant Classification Sherloc (09022015). Collection method: clinical testing. Allele origin: germline.
Comment: This sequence change replaces isoleucine, which is neutral and non-polar, with threonine, which is neutral and polar, at codon 587 of the PROM1 protein (p.Ile587Thr). This variant is not present in population databases (gnomAD no frequency). This variant has not been reported in the literature in individuals affected with PROM1-related conditions. ClinVar contains an entry for this variant (Variation ID: 1424554). Invitae Evidence Modeling of protein sequence and biophysical properties (such as structural, functional, and spatial information, amino acid conservation, physicochemical variation, residue mobility, and thermodynamic stability) indicates that this missense variant is not expected to disrupt PROM1 protein function with a negative predictive value of 80%. In summary, the available evidence is currently insufficient to determine the role of this variant in disease. Therefore, it has been classified as a Variant of Uncertain Significance.

NM_006017.3(PROM1):c.1760T>C (p.Ile587Thr)

Gene: PROM1 (prominin 1; minus strand). Cytogenetic location: 4p15.32.
Variant type: single nucleotide variant.
Coding change: c.1760T>C on transcript NM_006017.3 (MANE Select); coding-DNA position 1760, T replaced by C.
Protein change: p.Ile587Thr; replaces isoleucine 587 with threonine.
Molecular consequence: missense variant.
Genome position (GRCh38, 1-based): chr4:15,993,994, A>G on the plus strand (T>C on the coding strand, the complement: PROM1 is on the minus strand). VCF-style: chr4-15993994-A-G. GRCh37 (hg19) VCF-style: chr4-15995617-A-G.
Other names: c.1733T>C, p.Ile578Thr (NM_001145847.2, NM_001145848.2, NM_001145851.2 and 4 more transcripts); c.1760T>C, p.Ile587Thr (NM_001145849.2, NM_001145850.2); c.1760T>C (NM_006017.2); short protein forms I578T, I587T.
Identifiers: ClinVar variation 1424554 (VCV001424554.9), dbSNP rs1721695203, ClinGen allele CA356431240.